The following is an entry in ClinVar:

ClinVar aggregate classification (germline): Pathogenic/Likely pathogenic. Review status: criteria provided, multiple submitters, no conflicts (2 of 4 stars). 4 submissions from 4 submitters: Pathogenic (3); Likely pathogenic (1). Last evaluated 2026-04-24.

Conditions:
SDCCAG8-related disorder. Also called: SDCCAG8-related condition; SDCCAG8-Related Disorders.
Bardet-Biedl syndrome 16 (BBS16). Identifiers: Orphanet 110, MedGen C3889474, MONDO:0014444, OMIM 615993.
Senior-Loken syndrome 7 (SLSN7). Identifiers: Orphanet 3156, MedGen C3150877, MONDO:0013326, OMIM 613615.
Bardet-Biedl syndrome (BBS). Identifiers: Orphanet 110, MedGen C0752166, MONDO:0015229.

Allele frequency attached by ClinVar (database versions not stated): ExAC 0.00002; gnomAD 0.00005 and 0.00006; TOPMed 0.00005; gnomAD exomes 0.00006 and 0.00009.
gnomAD v4.1: 150 of 1,590,844 alleles (0.0094%); highest among the groups gnomAD compares: Non-Finnish European, 0.012%; no homozygotes.

Submissions (4):

PreventionGenetics, part of Exact Sciences
Classification: Pathogenic for SDCCAG8-related condition. Last evaluated: 2026-04-24. Review status: criteria provided, single submitter. Criteria: ACMG Guidelines, 2015. Collection method: clinical testing. Allele origin: germline.
Comment: The SDCCAG8 c.696T>G variant is predicted to result in premature protein termination (p.Tyr232*). This variant in homozygous and compound heterozygous state has been reported in patients with nephronophthisis-related ciliopathies (NPHP-RC), including Bardet-Biedl syndrome (BBS) with features suggestive of Senior-Løken syndrome (Otto et al. 2010. PubMed ID: 20835237; Meyer et al. 2022. PubMed ID: 35112343; Halbritter et al. 2013. PubMed ID: 23559409). In vivo functional studies demonstrate defective/impaired cilia and were able to recapitulate human BBS phenotypes in knock-in mouse models (Ren et al. 2022. PubMed ID: 35503560). This variant is reported in 0.012% of alleles in individuals of European (non-Finnish) descent in gnomAD. Nonsense variants in SDCCAG8 are expected to be pathogenic. This variant is interpreted as pathogenic.

Labcorp Genetics (formerly Invitae), Labcorp
Classification: Pathogenic for Bardet-Biedl syndrome 16; Senior-Loken syndrome 7. Last evaluated: 2025-11-23. Review status: criteria provided, single submitter. Criteria: Invitae Variant Classification Sherloc (09022015). Collection method: clinical testing. Allele origin: germline.
Comment: This sequence change creates a premature translational stop signal (p.Tyr232*) in the SDCCAG8 gene. It is expected to result in an absent or disrupted protein product. Loss-of-function variants in SDCCAG8 are known to be pathogenic (PMID: 20835237, 22190896). This variant is present in population databases (rs772544112, gnomAD 0.01%). This premature translational stop signal has been observed in individual(s) with clinical features of Senior-Loken syndrome (PMID: 20835237, 21866095). ClinVar contains an entry for this variant (Variation ID: 846611). For these reasons, this variant has been classified as Pathogenic.

Fulgent Genetics
Classification: Likely pathogenic for Senior-Loken syndrome 7; Bardet-Biedl syndrome 16. Last evaluated: 2023-12-20. Review status: criteria provided, single submitter. Criteria: ACMG Guidelines, 2015. Collection method: clinical testing. Allele origin: germline.

Women's Health and Genetics/Laboratory Corporation of America, LabCorp
Classification: Pathogenic for Bardet-Biedl syndrome. Last evaluated: 2022-11-18. Review status: criteria provided, single submitter. Criteria: LabCorp Variant Classification Summary - May 2015. Collection method: clinical testing. Allele origin: germline.
Comment: Variant summary: SDCCAG8 c.696T>G (p.Tyr232X) results in a premature termination codon, predicted to cause a truncation of the encoded protein or absence of the protein due to nonsense mediated decay, which are commonly known mechanisms for disease. Truncations downstream of this position have been classified as pathogenic in ClinVar. The variant allele was found at a frequency of 5.6e-05 in 250874 control chromosomes. This frequency is not higher than predicted for a pathogenic variant in SDCCAG8 causing Bardet-Biedl Syndrome (5.6e-05 vs 0.00062), allowing no conclusion about variant significance. c.696T>G has been reported in the literature in individuals affected with Bardet-Biedl Syndrome (examples: Halbritter_2013, and Otto_2010). These data indicate that the variant is likely to be associated with disease. One clinical diagnostic laboratory has submitted clinical-significance assessments for this variant to ClinVar after 2014 and classified the variant as pathogenic. Based on the evidence outlined above, the variant was classified as pathogenic.

Literature cited by the submitters: PubMed 20835237 (cited by Labcorp Genetics (formerly Invitae), Labcorp and Women's Health and Genetics/Laboratory Corporation of America, LabCorp); PubMed 22190896 (cited by Labcorp Genetics (formerly Invitae), Labcorp); PubMed 21866095 (cited by Labcorp Genetics (formerly Invitae), Labcorp); PubMed 23559409 (cited by Women's Health and Genetics/Laboratory Corporation of America, LabCorp).

NM_006642.5(SDCCAG8):c.696T>G (p.Tyr232Ter)

Gene: SDCCAG8 (SHH signaling and ciliogenesis regulator SDCCAG8; plus strand). Cytogenetic location: 1q43.
Variant type: single nucleotide variant.
Coding change: c.696T>G on transcript NM_006642.5 (MANE Select); coding-DNA position 696, T replaced by G.
Protein change: p.Tyr232Ter; replaces tyrosine 232 with a stop codon.
Molecular consequence: nonsense. On other transcripts: 5 prime UTR variant (3).
Genome position (GRCh38, 1-based): chr1:243,304,733, T>G. VCF-style: chr1-243304733-T-G. GRCh37 (hg19) VCF-style: chr1-243468035-T-G.
Other names: c.-417T>G (NM_001350246.2); c.-305T>G (NM_001350247.2); c.792T>G, p.Tyr264Ter (NM_001350248.2); c.402T>G, p.Tyr134Ter (NM_001350249.2); c.-582T>G (NM_001350251.2); short protein forms Y264*, Y134*, Y232*.
Identifiers: ClinVar variation 846611 (VCV000846611.15), dbSNP rs772544112, ClinGen allele CA1483406.